The following is an entry in ClinVar:

NM_006922.4(SCN3A):c.1700T>G (p.Phe567Cys)

Gene: SCN3A (sodium voltage-gated channel alpha subunit 3; minus strand). Cytogenetic location: 2q24.3.
Variant type: single nucleotide variant.
Coding change: c.1700T>G on transcript NM_006922.4 (MANE Select); coding-DNA position 1700, T replaced by G.
Protein change: p.Phe567Cys; replaces phenylalanine 567 with cysteine.
Molecular consequence: missense variant.
Genome position (GRCh38, 1-based): chr2:165,140,970, A>C on the plus strand (T>G on the coding strand, the complement: SCN3A is on the minus strand). VCF-style: chr2-165140970-A-C. GRCh37 (hg19) VCF-style: chr2-165997480-A-C.
Other names: c.1700T>G, p.Phe567Cys (NM_001081676.2, NM_001081677.2); c.1700T>G (NM_006922.3); short protein forms F567C.
Identifiers: ClinVar variation 1057579 (VCV001057579.10), dbSNP rs1263982159, ClinGen allele CA349047165.

ClinVar aggregate classification (germline): Uncertain significance. Review status: criteria provided, multiple submitters, no conflicts (2 of 4 stars). 2 submissions from 2 submitters: Uncertain significance (2). Last evaluated 2026-03-30.

Allele frequency attached by ClinVar (database versions not stated): gnomAD exomes below 0.00001; TOPMed 0.00001; gnomAD 0.00001.
gnomAD v4.1: 2 of 1,613,940 alleles (0.00012%); highest among the groups gnomAD compares: African/African-American, 0.0027%; no homozygotes.

Submissions (2):

GeneDx
Classification: Uncertain significance. Last evaluated: 2026-03-30. Review status: criteria provided, single submitter. Criteria: GeneDx Variant Classification Process June 2021. Collection method: clinical testing. Allele origin: germline.
Comment: Not observed at significant frequency in large population cohorts (gnomAD); In silico analysis supports that this missense variant has a deleterious effect on protein structure/function; Has not been previously published as pathogenic or benign to our knowledge

Labcorp Genetics (formerly Invitae), Labcorp
Classification: Uncertain significance. Last evaluated: 2024-12-28. Review status: criteria provided, single submitter. Criteria: Invitae Variant Classification Sherloc (09022015). Collection method: clinical testing. Allele origin: germline.
Comment: This sequence change replaces phenylalanine, which is neutral and non-polar, with cysteine, which is neutral and slightly polar, at codon 567 of the SCN3A protein (p.Phe567Cys). This variant is present in population databases (no rsID available, gnomAD 0.007%). This variant has not been reported in the literature in individuals affected with SCN3A-related conditions. ClinVar contains an entry for this variant (Variation ID: 1057579). Invitae Evidence Modeling of protein sequence and biophysical properties (such as structural, functional, and spatial information, amino acid conservation, physicochemical variation, residue mobility, and thermodynamic stability) has been performed for this missense variant. However, the output from this modeling did not meet the statistical confidence thresholds required to predict the impact of this variant on SCN3A protein function. In summary, the available evidence is currently insufficient to determine the role of this variant in disease. Therefore, it has been classified as a Variant of Uncertain Significance.